The following is an entry in ClinVar:

ClinVar aggregate classification (germline): Uncertain significance. Review status: criteria provided, multiple submitters, no conflicts (2 of 4 stars). 4 submissions from 4 submitters: Uncertain significance (4). Last evaluated 2025-07-06.

Conditions:
Lynch syndrome. Identifiers: Orphanet 144, MedGen C4552100, MONDO:0005835. Disease mechanism: loss of function.
Hereditary cancer-predisposing syndrome. Also called: Neoplastic Syndromes, Hereditary; Tumor predisposition; Hereditary Cancer Syndrome; Hereditary neoplastic syndrome. Identifiers: Orphanet 140162, MedGen C0027672, MeSH D009386, MONDO:0015356.
Hereditary nonpolyposis colorectal neoplasms. Identifiers: MedGen C0009405, MeSH D003123.

Allele frequency attached by ClinVar (database versions not stated): gnomAD 0.00001.

Submissions (4):

Labcorp Genetics (formerly Invitae), Labcorp
Classification: Uncertain significance for Hereditary nonpolyposis colorectal neoplasms. Last evaluated: 2025-07-06. Review status: criteria provided, single submitter. Criteria: Invitae Variant Classification Sherloc (09022015). Collection method: clinical testing. Allele origin: germline.
Comment: This sequence change replaces valine, which is neutral and non-polar, with methionine, which is neutral and non-polar, at codon 398 of the MSH6 protein (p.Val398Met). This variant is not present in population databases (gnomAD no frequency). This variant has not been reported in the literature in individuals affected with MSH6-related conditions. ClinVar contains an entry for this variant (Variation ID: 231493). Invitae Evidence Modeling of protein sequence and biophysical properties (such as structural, functional, and spatial information, amino acid conservation, physicochemical variation, residue mobility, and thermodynamic stability) has been performed for this missense variant. However, the output from this modeling did not meet the statistical confidence thresholds required to predict the impact of this variant on MSH6 protein function. In summary, the available evidence is currently insufficient to determine the role of this variant in disease. Therefore, it has been classified as a Variant of Uncertain Significance.

All of Us Research Program, National Institutes of Health
Classification: Uncertain significance for Lynch syndrome. Last evaluated: 2023-04-15. Review status: criteria provided, single submitter. Criteria: ACMG Guidelines, 2015. Collection method: clinical testing. Allele origin: germline. Inheritance: Autosomal dominant inheritance. Observed: 1 variant allele, 1 heterozygote.
Comment: This study involves interpretation of variants in research participants for the purpose of population health screening. Participant phenotype was not available at the time of variant classification. Additional details can be found in publication PMID: 35346344, PMCID: PMC8962531

Ambry Genetics
Classification: Uncertain significance for Hereditary cancer-predisposing syndrome. Last evaluated: 2022-02-28. Review status: criteria provided, single submitter. Criteria: Ambry Variant Classification Scheme 2023. Collection method: clinical testing. Allele origin: germline.
Comment: The p.V398M variant (also known as c.1192G>A), located in coding exon 4 of the MSH6 gene, results from a G to A substitution at nucleotide position 1192. The valine at codon 398 is replaced by methionine, an amino acid with highly similar properties. This amino acid position is highly conserved in available vertebrate species. In addition, this alteration is predicted to be deleterious by in silico analysis. Since supporting evidence is limited at this time, the clinical significance of this alteration remains unclear.

Color Diagnostics, LLC DBA Color Health
Classification: Uncertain significance for Hereditary cancer-predisposing syndrome. Last evaluated: 2018-11-25. Review status: criteria provided, single submitter. Criteria: ACMG Guidelines, 2015. Collection method: clinical testing. Allele origin: germline.

NM_000179.3(MSH6):c.1192G>A (p.Val398Met)

Gene: MSH6 (mutS homolog 6; plus strand). Cytogenetic location: 2p16.3.
Variant type: single nucleotide variant.
Coding change: c.1192G>A on transcript NM_000179.3 (MANE Select); coding-DNA position 1192, G replaced by A.
Protein change: p.Val398Met; replaces valine 398 with methionine.
Molecular consequence: missense variant.
Genome position (GRCh38, 1-based): chr2:47,799,175, G>A. VCF-style: chr2-47799175-G-A. GRCh37 (hg19) VCF-style: chr2-48026314-G-A.
Other names: c.802G>A, p.Val268Met (NM_001281492.2); c.286G>A, p.Val96Met (NM_001281493.2, NM_001281494.2); short protein forms V398M, V268M, V96M.
Identifiers: ClinVar variation 231493 (VCV000231493.15), dbSNP rs780350978, ClinGen allele CA10578064.